The following is an entry in ClinVar:

ClinVar aggregate classification (germline): Uncertain significance (1 of 4 stars; one submission).

Submission:

Labcorp Genetics (formerly Invitae), Labcorp
Classification: Uncertain significance. Last evaluated: 2022-09-06. Review status: criteria provided, single submitter. Criteria: Invitae Variant Classification Sherloc (09022015). Collection method: clinical testing. Allele origin: germline.
Comment: In summary, the available evidence is currently insufficient to determine the role of this variant in disease. Therefore, it has been classified as a Variant of Uncertain Significance. Algorithms developed to predict the effect of missense changes on protein structure and function are either unavailable or do not agree on the potential impact of this missense change (SIFT: "Tolerated"; PolyPhen-2: "Possibly Damaging"; Align-GVGD: "Class C15"). ClinVar contains an entry for this variant (Variation ID: 1522785). This variant has not been reported in the literature in individuals affected with RP1-related conditions. This variant is not present in population databases (gnomAD no frequency). This sequence change replaces arginine, which is basic and polar, with glycine, which is neutral and non-polar, at codon 125 of the RP1 protein (p.Arg125Gly).

NM_006269.2(RP1):c.373C>G (p.Arg125Gly)

Gene: RP1 (RP1 axonemal microtubule associated; plus strand). Cytogenetic location: 8q12.1.
Variant type: single nucleotide variant.
Coding change: c.373C>G on transcript NM_006269.2 (MANE Select); coding-DNA position 373, C replaced by G.
Protein change: p.Arg125Gly; replaces arginine 125 with glycine.
Molecular consequence: missense variant.
Genome position (GRCh38, 1-based): chr8:54,621,339, C>G. VCF-style: chr8-54621339-C-G. GRCh37 (hg19) VCF-style: chr8-55533899-C-G.
Other names: c.373C>G, p.Arg125Gly (NM_001375654.1); short protein forms R125G.
Identifiers: ClinVar variation 1522785 (VCV001522785.6), dbSNP rs770787145, ClinGen allele CA370986481.
Genomic context (GRCh38, chr8:54,621,339, plus strand): 5'-CTATGTTCCCACGGCAGGAAGGTGCAGCCTGTAGACCTGGACAAAGCCCGTCGGCGCCCG[C>G]GGCCCTGGCTCAGCAGCCGGGCCATTAGCGCGCACTCACCGCCCCACCCCGTAGCCGTCG-3'
Protein context (NP_006260.1, residues 115-135): VDLDKARRRP[Arg125Gly]PWLSSRAISA